The following is an entry in ClinVar:

ClinVar aggregate classification (germline): Likely benign (1 of 4 stars; one submission).

Allele frequency attached by ClinVar (database versions not stated): gnomAD exomes below 0.00001; TOPMed 0.00001 and below 0.00001.

Submission:

GeneDx
Classification: Likely benign. Last evaluated: 2018-01-18. Review status: criteria provided, single submitter. Criteria: GeneDx Variant Classification (06012015). Collection method: clinical testing. Allele origin: germline. Affected: yes.
Comment: This variant is considered likely benign or benign based on one or more of the following criteria: it is a conservative change, it occurs at a poorly conserved position in the protein, it is predicted to be benign by multiple in silico algorithms, and/or has population frequency not consistent with disease.

NM_145239.3(PRRT2):c.1012+19C>T

Genes: MVP-DT (MVP divergent transcript; minus strand), PRRT2 (proline rich transmembrane protein 2; plus strand). Cytogenetic location: 16p11.2.
Variant type: single nucleotide variant.
Coding change: c.1012+19C>T on transcript NM_145239.3 (MANE Select); 19 bases into the intron after coding-DNA position 1012, C replaced by T.
Molecular consequence: intron variant. On other transcripts: missense variant (1), 3 prime UTR variant (1).
Genome position (GRCh38, 1-based): chr16:29,814,484, C>T. VCF-style: chr16-29814484-C-T. GRCh37 (hg19) VCF-style: chr16-29825805-C-T.
Other names: c.1031C>T, p.Thr344Ile (NM_001256442.2); c.*530C>T (NM_001256443.2); short protein forms T344I.
Identifiers: ClinVar variation 382669 (VCV000382669.1), dbSNP rs1057521417, ClinGen allele CA16607398.